The following is an entry in ClinVar:

NM_006258.4(PRKG1):c.930G>T (p.Leu310Phe)

Gene: PRKG1 (protein kinase cGMP-dependent 1; plus strand). Cytogenetic location: 10q21.1.
Variant type: single nucleotide variant.
Coding change: c.930G>T on transcript NM_006258.4 (MANE Select); coding-DNA position 930, G replaced by T.
Protein change: p.Leu310Phe; replaces leucine 310 with phenylalanine.
Molecular consequence: missense variant.
Genome position (GRCh38, 1-based): chr10:52,062,626, G>T. VCF-style: chr10-52062626-G-T. GRCh37 (hg19) VCF-style: chr10-53822386-G-T.
Other names: c.885G>T, p.Leu295Phe (LRG_1135t2, NM_001098512.3); c.930G>T, p.Leu310Phe (LRG_1135t1); short protein forms L310F, L295F.
Identifiers: ClinVar variation 576433 (VCV000576433.9), dbSNP rs1564452654, ClinGen allele CA376534160.
Genomic context (GRCh38, chr10:52,062,626, plus strand): 5'-TGAAGACCCAGTCTTTCTTAGAACTTTAGGAAAAGGAGACTGGTTTGGAGAGAAAGCCTT[G>T]CAGGGGTAAGTAGATCATGTGTTATACAGGTTTTTGTTTGAGTGCTACATAAATTTCTGT-3'
Protein context (NP_006249.1, residues 300-320): GKGDWFGEKA[Leu310Phe]QGEDVRTANV

ClinVar aggregate classification (germline): Uncertain significance (1 of 4 stars; one submission).

Conditions:
Aortic aneurysm, familial thoracic 8 (AAT8). Identifiers: MedGen C3809513, MONDO:0014187, OMIM 615436.

Submission:

Labcorp Genetics (formerly Invitae), Labcorp
Classification: Uncertain significance for Aortic aneurysm, familial thoracic 8. Last evaluated: 2020-11-27. Review status: criteria provided, single submitter. Criteria: Invitae Variant Classification Sherloc (09022015). Collection method: clinical testing. Allele origin: germline.
Comment: In summary, the available evidence is currently insufficient to determine the role of this variant in disease. Therefore, it has been classified as a Variant of Uncertain Significance. Algorithms developed to predict the effect of missense changes on protein structure and function do not agree on the potential impact of this missense change (SIFT: "Deleterious"; PolyPhen-2: "Probably Damaging"; Align-GVGD: "Class C0"). This variant has not been reported in the literature in individuals with PRKG1-related disease. This variant is not present in population databases (ExAC no frequency). This sequence change replaces leucine with phenylalanine at codon 310 of the PRKG1 protein (p.Leu310Phe). The leucine residue is moderately conserved and there is a small physicochemical difference between leucine and phenylalanine.